The following is an entry in ClinVar:

ClinVar aggregate classification (germline): Conflicting classifications of pathogenicity. Review status: criteria provided, conflicting classifications (1 of 4 stars). 9 submissions from 9 submitters: Uncertain significance (1); Benign (2); Likely benign (5). 1 of the submissions does not count toward it. Last evaluated 2026-01-27.

Conditions:
TTN-related disorder. Also called: TTN-related disorders; TTN-related condition; TTN-related disease.
Cardiovascular phenotype. Identifiers: MedGen CN230736.
Autosomal recessive limb-girdle muscular dystrophy type 2J (LGMDR10). Also called: Limb-girdle muscular dystrophy, type 2J; MUSCULAR DYSTROPHY, LIMB-GIRDLE, AUTOSOMAL RECESSIVE 10. Identifiers: Orphanet 140922, MedGen C1837342, MONDO:0012127, OMIM 608807.
Dilated cardiomyopathy 1G (CMD1G). Identifiers: Orphanet 154, MedGen C1858763, MONDO:0011400, OMIM 604145.
Cardiomyopathy (CMYO). Also called: Cardiomyopathies. Identifiers: Orphanet 167848, MedGen C0878544, MONDO:0004994, HP:0001638. Inheritance: Various modes of inheritance.

Allele frequency attached by ClinVar (database versions not stated): gnomAD exomes 0.00008 and 0.00021; ExAC 0.00019; 1000 Genomes Project 0.00040; gnomAD 0.00063 and 0.00069; 1000 Genomes Project 30x 0.00078; ESP Exome Variant Server 0.00082; TOPMed 0.00086.
gnomAD v4.1: 210 of 1,613,442 alleles (0.013%); highest among the groups gnomAD compares: African/African-American, 0.25%; no homozygotes.

Submissions (9):

Labcorp Genetics (formerly Invitae), Labcorp
Classification: Likely benign for Dilated cardiomyopathy 1G; Autosomal recessive limb-girdle muscular dystrophy type 2J. Last evaluated: 2026-01-27. Review status: criteria provided, single submitter. Criteria: Invitae Variant Classification Sherloc (09022015). Collection method: clinical testing. Allele origin: germline.

Women's Health and Genetics/Laboratory Corporation of America, LabCorp
Classification: Likely benign. Last evaluated: 2025-06-02. Review status: criteria provided, single submitter. Criteria: LabCorp Variant Classification Summary - May 2015. Collection method: clinical testing. Allele origin: germline.
Comment: Variant summary: TTN c.68315T>A (p.Val22772Asp) results in a non-conservative amino acid change located in the A-band region of the encoded protein sequence. Algorithms developed to predict the effect of missense changes on protein structure and function are either unavailable or do not agree on the potential impact of this missense change. The variant allele was found at a frequency of 0.00021 in 248316 control chromosomes, predominantly at a frequency of 0.0026 within the African or African-American subpopulation in the gnomAD database. The observed variant frequency within African or African-American control individuals in the gnomAD database is approximately 7-fold of the estimated maximal expected allele frequency for a pathogenic variant in TTN causing Dilated Cardiomyopathy phenotype (0.00039). To our knowledge, no occurrence of c.68315T>A in individuals affected with Dilated Cardiomyopathy and no experimental evidence demonstrating its impact on protein function have been reported. ClinVar contains an entry for this variant (Variation ID: 202865). Based on the evidence outlined above, the variant was classified as likely benign.

Blueprint Genetics
Classification: Likely benign. Last evaluated: 2024-11-25. Review status: criteria provided, single submitter. Criteria: ACMG Guidelines, 2015. Collection method: clinical testing. Allele origin: germline.

CHEO Genetics Diagnostic Laboratory, Children's Hospital of Eastern Ontario
Classification: Benign for Cardiomyopathy. Last evaluated: 2021-09-30. Review status: criteria provided, single submitter. Criteria: ACMG Guidelines, 2015. Collection method: clinical testing. Allele origin: germline.

Athena Diagnostics
Classification: Benign. Last evaluated: 2018-12-27. Review status: criteria provided, single submitter. Criteria: Athena Diagnostics Criteria. Collection method: clinical testing. Allele origin: germline.

Ambry Genetics
Classification: Likely benign for Cardiovascular phenotype. Last evaluated: 2018-10-23. Review status: criteria provided, single submitter. Criteria: Ambry Variant Classification Scheme 2023. Collection method: clinical testing. Allele origin: germline.

GeneDx
Classification: Likely benign. Last evaluated: 2018-03-01. Review status: criteria provided, single submitter. Criteria: GeneDx Variant Classification (06012015). Collection method: clinical testing. Allele origin: germline. Affected: yes.
Comment: This variant is considered likely benign or benign based on one or more of the following criteria: it is a conservative change, it occurs at a poorly conserved position in the protein, it is predicted to be benign by multiple in silico algorithms, and/or has population frequency not consistent with disease.

Eurofins Ntd Llc (ga)
Classification: Uncertain significance. Last evaluated: 2016-12-28. Review status: criteria provided, single submitter. Criteria: EGL Classification Definitions 2015. Collection method: clinical testing. Allele origin: germline. Observed: 3 variant alleles, 3 heterozygotes.

PreventionGenetics, part of Exact Sciences
Classification: Likely benign for TTN-related condition. Last evaluated: 2021-08-19. Review status: no assertion criteria provided. Collection method: clinical testing. Allele origin: germline. Not counted in ClinVar's aggregate classification.
Comment: This variant is classified as likely benign based on ACMG/AMP sequence variant interpretation guidelines (Richards et al. 2015 PMID: 25741868, with internal and published modifications).

NM_001267550.2(TTN):c.76019T>A (p.Val25340Asp)

Genes: TTN-AS1 (TTN antisense RNA 1; plus strand), TTN (titin; minus strand). Cytogenetic location: 2q31.2.
Variant type: single nucleotide variant.
Coding change: c.76019T>A on transcript NM_001267550.2 (MANE Select); coding-DNA position 76019, T replaced by A.
Protein change: p.Val25340Asp; replaces valine 25340 with aspartic acid.
Molecular consequence: missense variant.
Genome position (GRCh38, 1-based): chr2:178,570,113, A>T on the plus strand (T>A on the coding strand, the complement: TTN is on the minus strand). VCF-style: chr2-178570113-A-T. GRCh37 (hg19) VCF-style: chr2-179434840-A-T.
Other names: p.V23699D:GTT>GAT; c.71096T>A, p.Val23699Asp (NM_001256850.1); c.48824T>A, p.Val16275Asp (NM_003319.4); c.68315T>A, p.Val22772Asp (NM_133378.4); c.49199T>A, p.Val16400Asp (NM_133432.3); c.49400T>A, p.Val16467Asp (NM_133437.4); short protein forms V23699D, V25340D, V22772D, V16400D, V16275D, V16467D.
Identifiers: ClinVar variation 202865 (VCV000202865.26), dbSNP rs200287703, ClinGen allele CA310523.